The following is an entry in ClinVar:

ClinVar aggregate classification (germline): Uncertain significance. Review status: criteria provided, multiple submitters, no conflicts (2 of 4 stars). 3 submissions from 3 submitters: Uncertain significance (3). Last evaluated 2025-06-12.

Allele frequency attached by ClinVar (database versions not stated): gnomAD exomes 0.00002; ESP Exome Variant Server 0.00023; 1000 Genomes Project 0.00060; ExAC 0.00007; gnomAD 0.00017; TOPMed 0.00025; 1000 Genomes Project 30x 0.00047.
gnomAD v4.1: 56 of 1,612,978 alleles (0.0035%); highest among the groups gnomAD compares: African/African-American, 0.073%; no homozygotes.

Submissions (3):

Labcorp Genetics (formerly Invitae), Labcorp
Classification: Uncertain significance. Last evaluated: 2025-06-12. Review status: criteria provided, single submitter. Criteria: Invitae Variant Classification Sherloc (09022015). Collection method: clinical testing. Allele origin: germline.
Comment: This sequence change replaces isoleucine, which is neutral and non-polar, with methionine, which is neutral and non-polar, at codon 244 of the NUP133 protein (p.Ile244Met). This variant is present in population databases (rs145946684, gnomAD 0.05%). This variant has not been reported in the literature in individuals affected with NUP133-related conditions. ClinVar contains an entry for this variant (Variation ID: 2434465). An algorithm developed to predict the effect of missense changes on protein structure and function (PolyPhen-2) suggests that this variant is likely to be tolerated. In summary, the available evidence is currently insufficient to determine the role of this variant in disease. Therefore, it has been classified as a Variant of Uncertain Significance.

Ambry Genetics
Classification: Uncertain significance. Last evaluated: 2023-09-26. Review status: criteria provided, single submitter. Criteria: Ambry Variant Classification Scheme 2023. Collection method: clinical testing. Allele origin: germline.

Revvity Omics, Revvity
Classification: Uncertain significance. Last evaluated: 2022-03-07. Review status: criteria provided, single submitter. Criteria: ACMG Guidelines, 2015. Collection method: clinical testing. Allele origin: germline.

NM_018230.3(NUP133):c.732C>G (p.Ile244Met)

Gene: NUP133 (nucleoporin 133; minus strand). Cytogenetic location: 1q42.13.
Variant type: single nucleotide variant.
Coding change: c.732C>G on transcript NM_018230.3 (MANE Select); coding-DNA position 732, C replaced by G.
Protein change: p.Ile244Met; replaces isoleucine 244 with methionine.
Molecular consequence: missense variant.
Genome position (GRCh38, 1-based): chr1:229,498,223, G>C on the plus strand (C>G on the coding strand, the complement: NUP133 is on the minus strand). VCF-style: chr1-229498223-G-C. GRCh37 (hg19) VCF-style: chr1-229633970-G-C.
Other names: c.732C>G (NM_018230.2); short protein forms I244M.
Identifiers: ClinVar variation 2434465 (VCV002434465.6), dbSNP rs145946684, ClinGen allele CA1443729.